The following is an entry in ClinVar:

ClinVar aggregate classification (germline): Uncertain significance (1 of 4 stars; one submission).

Conditions:
Progressive familial intrahepatic cholestasis type 1. Also called: Byler's disease; Severe ATP8B1 Deficiency (Progressive Familial Intrahepatic Cholestasis Type 1 [PFIC1]); BYLER DISEASE. Identifiers: Orphanet 79306, MedGen C4551898, MONDO:0008892, OMIM 211600.
Benign recurrent intrahepatic cholestasis type 1. Also called: SUMMERSKILL SYNDROME; Mild-to-Moderate ATP8B1 Deficiency (Benign Recurrent Intrahepatic Cholestasis 1 [BRIC1]). Identifiers: Orphanet 65682, Orphanet 99960, MedGen C4551899, MONDO:0009469, OMIM 243300.
Cholestasis, intrahepatic, of pregnancy, 1 (ICP1). Also called: CHOLESTASIS, PREGNANCY-RELATED, 1. Identifiers: Orphanet 69665, MedGen C3549845, MONDO:0007829, OMIM 147480.

Submission:

Juno Genomics, Hangzhou Juno Genomics, Inc
Classification: Uncertain significance for Benign recurrent intrahepatic cholestasis type 1; Cholestasis, intrahepatic, of pregnancy, 1; Progressive familial intrahepatic cholestasis type 1. Review status: criteria provided, single submitter. Criteria: ACMG Guidelines, 2015. Collection method: clinical testing. Allele origin: germline.
Comment: Absent from controls (or at extremely low frequency if recessive) in Genome Aggregation Database.;Missense variant in a gene that has a low rate of benign missense variation.

NM_001374385.1(ATP8B1):c.2833A>C (p.Ile945Leu)

Genes: ATP8B1 (ATPase phospholipid transporting 8B1; minus strand), ATP8B1-AS1 (ATP8B1 antisense RNA 1; plus strand). Cytogenetic location: 18q21.31.
Variant type: single nucleotide variant.
Coding change: c.2833A>C on transcript NM_001374385.1 (MANE Select); coding-DNA position 2833, A replaced by C.
Protein change: p.Ile945Leu; replaces isoleucine 945 with leucine.
Molecular consequence: missense variant.
Genome position (GRCh38, 1-based): chr18:57,655,292, T>G on the plus strand (A>C on the coding strand, the complement: ATP8B1 is on the minus strand). VCF-style: chr18-57655292-T-G. GRCh37 (hg19) VCF-style: chr18-55322524-T-G.
Other names: c.2683A>C, p.Ile895Leu (NM_001374386.1); c.2833A>C, p.Ile945Leu (NM_005603.6); short protein forms I895L, I945L.
Identifiers: ClinVar variation 5019216 (VCV005019216.2).